The following is an entry in ClinVar:

NC_012920.1(MT-ATP6):m.8761A>C

Gene: MT-ATP6 (mitochondrially encoded ATP synthase 6; plus strand).
Variant type: single nucleotide variant.
Genome position: chrM-8761-A-C.
Identifiers: ClinVar variation 692976 (VCV000692976.1), dbSNP rs1603221776, ClinGen allele CA414797915.

ClinVar aggregate classification (germline): Uncertain significance (1 of 4 stars; one submission).

Conditions:
Leigh syndrome (NULS). Also called: Leigh's necrotizing encephalopathy; Leigh's disease; Leigh Syndrome (mtDNA deletion); Leigh Disease; Subacute necrotizing encephalopathy; Necrotizing encephalopathy infantile subacute of Leigh. Identifiers: Orphanet 506, MedGen C2931891, MONDO:0009723, OMIM 256000.

Submission:

Wong Mito Lab, Molecular and Human Genetics, Baylor College of Medicine
Classification: Uncertain significance for Leigh syndrome. Last evaluated: 2019-10-17. Review status: criteria provided, single submitter. Criteria: Modified ACMG Guidelines (Unpublished). Collection method: clinical testing. Allele origin: germline.
Comment: The NC_012920.1:m.8761A>C (YP_003024031.1:p.Ile79Leu) variant in MTATP6 gene is interpretated to be a Uncertain Significance variant based on the modified ACMG guidelines (unpublished). This variant meets the following evidence codes: BS4, PP7